The following is an entry in ClinVar:

ClinVar aggregate classification (germline): Benign. Review status: criteria provided, multiple submitters, no conflicts (2 of 4 stars). 2 submissions from 2 submitters: Benign (2). Last evaluated 2018-01-13.

Conditions:
Autoimmune lymphoproliferative syndrome type 2B. Also called: AUTOIMMUNE LYMPHOPROLIFERATIVE SYNDROME, TYPE IIB. Identifiers: Orphanet 275517, MedGen C1846545, MONDO:0011804, OMIM 607271.

Allele frequency attached by ClinVar (database versions not stated): TOPMed 0.02038; 1000 Genomes Project 30x 0.02233; 1000 Genomes Project 0.02296; gnomAD 0.02398 and 0.02500; gnomAD exomes 0.03280.
gnomAD v4.1: 6,182 of 225,076 alleles (2.7%); highest among the groups gnomAD compares: South Asian, 4.6%; 137 homozygotes.

Submissions (7):

Illumina Laboratory Services, Illumina
Classification: Benign for Autoimmune lymphoproliferative syndrome type 2B. Last evaluated: 2018-01-13. Review status: criteria provided, single submitter. Criteria: ICSL Variant Classification Criteria 13 December 2019. Collection method: clinical testing. Allele origin: germline.
Comment: This variant was observed in the ICSL laboratory as part of a predisposition screen in an ostensibly healthy population. It had not been previously curated by ICSL or reported in the Human Gene Mutation Database (HGMD: prior to June 1st, 2018), and was therefore a candidate for classification through an automated scoring system. Utilizing variant allele frequency, disease prevalence and penetrance estimates, and inheritance mode, an automated score was calculated to assess if this variant is too frequent to cause the disease. Based on the score and internal cut-off values, a variant classified as benign is not then subjected to further curation. The score for this variant resulted in a classification of benign for this disease.

Breakthrough Genomics
Classification: Benign. Review status: criteria provided, single submitter. Criteria: ACMG Guidelines, 2015. Collection method: not provided. Allele origin: germline. Inheritance: Autosomal recessive inheritance. Affected: yes.

Dr. Peter K. Rogan Lab, Western University
No classification provided (evidence only). Condition: Cervical cancer. Review status: no classification provided. Collection method: in vitro. Allele origin: not applicable. Functional consequence: retained intron. Not counted in ClinVar's aggregate classification.

Dr. Peter K. Rogan Lab, Western University
No classification provided (evidence only). Condition: Sarcoma. Review status: no classification provided. Collection method: in vitro. Allele origin: not applicable. Functional consequence: retained intron. Not counted in ClinVar's aggregate classification.

Dr. Peter K. Rogan Lab, Western University
No classification provided (evidence only). Condition: Sarcoma. Review status: no classification provided. Collection method: in vitro. Allele origin: not applicable. Functional consequence: retained intron. Not counted in ClinVar's aggregate classification.

Dr. Peter K. Rogan Lab, Western University
No classification provided (evidence only). Condition: Thymoma. Review status: no classification provided. Collection method: in vitro. Allele origin: not applicable. Functional consequence: retained intron. Not counted in ClinVar's aggregate classification.

Dr. Peter K. Rogan Lab, Western University
No classification provided (evidence only). Condition: Familial pancreatic carcinoma. Review status: no classification provided. Collection method: in vitro. Allele origin: not applicable. Functional consequence: retained intron. Not counted in ClinVar's aggregate classification.

NM_001372051.1(CASP8):c.*411G>C

Gene: CASP8 (caspase 8; plus strand). Cytogenetic location: 2q33.1.
Variant type: single nucleotide variant.
Coding change: c.*411G>C on transcript NM_001372051.1 (MANE Select); 411 bases downstream of the stop codon, G replaced by C.
Molecular consequence: 3 prime UTR variant. On other transcripts: non-coding transcript variant (22).
Genome position (GRCh38, 1-based): chr2:201,287,005, G>C. VCF-style: chr2-201287005-G-C. GRCh37 (hg19) VCF-style: chr2-202151728-G-C.
Other names: NC_000002.11:g.202151728G>C; c.*411G>C (NM_001080124.2, NM_001080125.2, NM_001228.5 and 35 more transcripts).
Identifiers: ClinVar variation 333518 (VCV000333518.7), dbSNP rs17860432, ClinGen allele CA10613493.